The following is an entry in ClinVar:

NM_181426.2(CCDC39):c.331A>G (p.Ile111Val)

Gene: CCDC39 (coiled-coil domain 39 molecular ruler complex subunit; minus strand). Cytogenetic location: 3q26.33.
Variant type: single nucleotide variant.
Coding change: c.331A>G on transcript NM_181426.2 (MANE Select); coding-DNA position 331, A replaced by G.
Protein change: p.Ile111Val; replaces isoleucine 111 with valine.
Molecular consequence: missense variant.
Genome position (GRCh38, 1-based): chr3:180,661,887, T>C on the plus strand (A>G on the coding strand, the complement: CCDC39 is on the minus strand). VCF-style: chr3-180661887-T-C. GRCh37 (hg19) VCF-style: chr3-180379675-T-C.
Other names: short protein forms I111V.
Identifiers: ClinVar variation 977545 (VCV000977545.10), dbSNP rs368618125, ClinGen allele CA2716196.

ClinVar aggregate classification (germline): Uncertain significance. Review status: criteria provided, multiple submitters, no conflicts (2 of 4 stars). 4 submissions from 4 submitters: Uncertain significance (4). Last evaluated 2025-12-11.

Conditions:
Primary ciliary dyskinesia. Also called: Ciliary dyskinesia. Identifiers: Orphanet 244, MedGen C0008780, MONDO:0016575, HP:0012265.

Allele frequency attached by ClinVar (database versions not stated): gnomAD 0.00001; gnomAD exomes 0.00002; TOPMed 0.00002; ExAC 0.00005; ESP Exome Variant Server 0.00008.
gnomAD v4.1: 23 of 1,587,402 alleles (0.0014%); highest among the groups gnomAD compares: African/African-American, 0.0054%; no homozygotes.

Submissions (4):

Ambry Genetics
Classification: Uncertain significance for Primary ciliary dyskinesia. Last evaluated: 2025-12-11. Review status: criteria provided, single submitter. Criteria: Ambry Variant Classification Scheme 2023. Collection method: clinical testing. Allele origin: germline.

Labcorp Genetics (formerly Invitae), Labcorp
Classification: Uncertain significance for Primary ciliary dyskinesia. Last evaluated: 2024-10-26. Review status: criteria provided, single submitter. Criteria: Invitae Variant Classification Sherloc (09022015). Collection method: clinical testing. Allele origin: germline.
Comment: This sequence change replaces isoleucine, which is neutral and non-polar, with valine, which is neutral and non-polar, at codon 111 of the CCDC39 protein (p.Ile111Val). The frequency data for this variant in the population databases is considered unreliable, as metrics indicate poor data quality at this position in the gnomAD database. This variant has not been reported in the literature in individuals affected with CCDC39-related conditions. ClinVar contains an entry for this variant (Variation ID: 977545). An algorithm developed to predict the effect of missense changes on protein structure and function (PolyPhen-2) suggests that this variant is likely to be tolerated. In summary, the available evidence is currently insufficient to determine the role of this variant in disease. Therefore, it has been classified as a Variant of Uncertain Significance.

Blueprint Genetics
Classification: Uncertain significance. Last evaluated: 2023-10-09. Review status: criteria provided, single submitter. Criteria: ACMG Guidelines, 2015. Collection method: clinical testing. Allele origin: germline.

UNC Molecular Genetics  Laboratory, University of North Carolina at Chapel Hill
Classification: Uncertain significance for Primary ciliary dyskinesia. Last evaluated: 2019-12-30. Review status: criteria provided, single submitter. Criteria: ACMG Guidelines, 2015. Collection method: clinical testing. Allele origin: germline. Affected: yes. Observed: 1 heterozygote.